The following is an entry in ClinVar:

ClinVar aggregate classification (germline): Uncertain significance (1 of 4 stars; one submission).

Conditions:
Hereditary cancer-predisposing syndrome. Also called: Hereditary Cancer Syndrome; Hereditary neoplastic syndrome; Neoplastic Syndromes, Hereditary; Tumor predisposition. Identifiers: Orphanet 140162, MedGen C0027672, MeSH D009386, MONDO:0015356.

gnomAD v4.1: 1 of 1,613,788 alleles (0.000062%); highest among the groups gnomAD compares: Non-Finnish European, 0.000085%; no homozygotes.

Submission:

Ambry Genetics
Classification: Uncertain significance for Hereditary cancer-predisposing syndrome. Last evaluated: 2025-08-30. Review status: criteria provided, single submitter. Criteria: Ambry Variant Classification Scheme 2023. Collection method: clinical testing. Allele origin: germline.
Comment: The p.P458T variant (also known as c.1372C>A), located in coding exon 15 of the CDC73 gene, results from a C to A substitution at nucleotide position 1372. The proline at codon 458 is replaced by threonine, an amino acid with highly similar properties. This amino acid position is conserved. In addition, the in silico prediction for this alteration is inconclusive. Based on the available evidence, the clinical significance of this variant remains unclear.

NM_024529.5(CDC73):c.1372C>A (p.Pro458Thr)

Gene: CDC73 (cell division cycle 73; plus strand). Cytogenetic location: 1q31.2.
Variant type: single nucleotide variant.
Coding change: c.1372C>A on transcript NM_024529.5 (MANE Select); coding-DNA position 1372, C replaced by A.
Protein change: p.Pro458Thr; replaces proline 458 with threonine.
Molecular consequence: missense variant.
Genome position (GRCh38, 1-based): chr1:193,236,311, C>A. VCF-style: chr1-193236311-C-A. GRCh37 (hg19) VCF-style: chr1-193205441-C-A.
Other names: short protein forms P458T.
Identifiers: ClinVar variation 4223487 (VCV004223487.1).
Genomic context (GRCh38, chr1:193,236,311, plus strand): 5'-TGTAGGGACCGCGTTGTAGCCGTTTTTGTGCAGGGTCCTGCATGGCAGTTCAAAGGTTGG[C>A]CATGGCTTTTGCCTGATGGATCACCAGTTGATATATTTGCTAAAAGTAAGATTCTCTTTG-3'
Protein context (NP_078805.3, residues 448-468): QGPAWQFKGW[Pro458Thr]WLLPDGSPVD